The following is an entry in ClinVar:

ClinVar aggregate classification (germline): Pathogenic. Review status: criteria provided, single submitter (1 of 4 stars). 2 submissions from 2 submitters: Pathogenic (1). 1 of the submissions does not count toward it. Last evaluated 2019-01-02.

Conditions:
Hereditary breast ovarian cancer syndrome. Also called: Hereditary breast and/or ovarian cancer syndrome; Breast and ovarian cancer; Hereditary breast and ovarian cancer syndrome; Hereditary breast and ovarian cancer; Hereditary breast and ovarian cancer syndrome (HBOC); BRCA1- and BRCA2-Associated Hereditary Breast and Ovarian Cancer. Identifiers: Orphanet 145, MedGen C0677776, MeSH D061325, MONDO:0003582. Disease mechanism: loss of function.
Breast-ovarian cancer, familial, susceptibility to, 1 (BROVCA1). Also called: BRCA1 Hereditary Breast and Ovarian Cancer; OVARIAN CANCER, SUSCEPTIBILITY TO. Identifiers: Orphanet 145, MedGen C2676676, MONDO:0011450, OMIM 604370. Disease mechanism: loss of function.

Submissions (3):

Women's Health and Genetics/Laboratory Corporation of America, LabCorp
Classification: Pathogenic for Hereditary breast and ovarian cancer syndrome. Last evaluated: 2019-01-02. Review status: criteria provided, single submitter. Criteria: LabCorp Variant Classification Summary - May 2015. Collection method: clinical testing. Allele origin: germline.
Comment: Variant summary: BRCA1 c.5194-1G>A is located in a canonical splice-site and is predicted to affect mRNA splicing resulting in a significantly altered protein due to either exon skipping, shortening, or inclusion of intronic material. Several computational tools predict a significant impact on normal splicing: Five predict the variant abolishes a 3 acceptor site. The variant was absent in 246260 control chromosomes (gnomAD). c.5194-1G>A has been reported in the literature in individuals affected with Hereditary Breast and Ovarian Cancer (Esteban-Cardenosa_2004, Judkins_2005). These data indicate that the variant may be associated with disease. At least one publication reports experimental evidence evaluating an impact on protein function. The most pronounced variant effect results in <10% of normal activity. No clinical diagnostic laboratories have submitted clinical-significance assessments for this variant to ClinVar after 2014. Based on the evidence outlined above, the variant was classified as pathogenic.

Breast Cancer Information Core (BIC) (BRCA1)
Classification: Pathogenic for Breast-ovarian cancer, familial 1. Last evaluated: 2002-05-29. Review status: no assertion criteria provided. Collection method: clinical testing. Allele origin: germline. Affected: yes. Observed: 1 variant allele. Not counted in ClinVar's aggregate classification.

Brotman Baty Institute, University of Washington
No classification provided (evidence only). Condition: Breast-ovarian cancer, familial 1. Review status: no classification provided. Collection method: in vitro. Allele origin: not applicable. Functional consequence: functionally_abnormal. Not counted in ClinVar's aggregate classification.
ClinVar note: "not provided" was previously submitted as the classification for the variant. However, the classification appeared to be based only on an observation of functional data so it was converted to no classification on 2025-07-30.

Literature cited by the submitters: PubMed 16267036 (cited by Women's Health and Genetics/Laboratory Corporation of America, LabCorp); PubMed 11748305 (cited by Women's Health and Genetics/Laboratory Corporation of America, LabCorp); PubMed 14684619 (cited by Women's Health and Genetics/Laboratory Corporation of America, LabCorp); PubMed 26187060 (cited by Women's Health and Genetics/Laboratory Corporation of America, LabCorp); PubMed 30209399 (cited by Women's Health and Genetics/Laboratory Corporation of America, LabCorp).

NM_007294.4(BRCA1):c.5194-1G>A

Gene: BRCA1 (BRCA1 DNA repair associated; minus strand). Cytogenetic location: 17q21.31.
Variant type: single nucleotide variant.
Coding change: c.5194-1G>A on transcript NM_007294.4 (MANE Select); the canonical splice acceptor site of the intron before coding-DNA position 5194, G replaced by A.
Molecular consequence: splice acceptor variant.
Genome position (GRCh38, 1-based): chr17:43,057,136, C>T on the plus strand (G>A on the coding strand, the complement: BRCA1 is on the minus strand). VCF-style: chr17-43057136-C-T. GRCh37 (hg19) VCF-style: chr17-41209153-C-T.
Other names: IVS19-1G>A; c.4984-1G>A (NM_001407881.1, NM_001407886.1, NM_001407887.1 and 5 more transcripts); c.4927-1G>A (NM_001407932.1, NM_001407928.1, NM_001407929.1 and 4 more transcripts); c.1741-1G>A (NM_001408464.1, NM_001408467.1, NM_001408459.1 and 7 more transcripts); c.5050-1G>A (NM_001407742.1, NM_001407945.1, NM_001407736.1 and 21 more transcripts); c.1621-1G>A (NM_001408498.1, NM_001408496.1, NM_001408501.1 and 3 more transcripts); c.4930-1G>A (NM_001407925.1, NM_001407924.1, NM_001407922.1 and 4 more transcripts); c.5053-1G>A (NM_007297.4, NM_001407698.1, NM_001407728.1 and 13 more transcripts); and 73 more.
Identifiers: ClinVar variation 125804 (VCV000125804.8), dbSNP rs80358173, ClinGen allele CA003345.